The following is an entry in ClinVar:

NM_000059.4(BRCA2):c.1217C>T (p.Ala406Val)

Gene: BRCA2 (BRCA2 DNA repair associated; plus strand). Cytogenetic location: 13q13.1.
Variant type: single nucleotide variant.
Coding change: c.1217C>T on transcript NM_000059.4 (MANE Select); coding-DNA position 1217, C replaced by T.
Protein change: p.Ala406Val; replaces alanine 406 with valine.
Molecular consequence: missense variant. On other transcripts: non-coding transcript variant (1), intron variant (1).
Genome position (GRCh38, 1-based): chr13:32,332,695, C>T. VCF-style: chr13-32332695-C-T. GRCh37 (hg19) VCF-style: chr13-32906832-C-T.
Other names: c.1217C>T, p.Ala406Val (NM_001406719.1, NM_001406720.1, NM_001406721.1 and 1 more transcripts); c.424+1665C>T (NM_001406722.1); short protein forms A406V.
Identifiers: ClinVar variation 5033323 (VCV005033323.1).

ClinVar aggregate classification (germline): Uncertain significance (1 of 4 stars; one submission).

Conditions:
Hereditary cancer-predisposing syndrome. Also called: Neoplastic Syndromes, Hereditary; Tumor predisposition; Hereditary neoplastic syndrome; Hereditary Cancer Syndrome. Identifiers: Orphanet 140162, MedGen C0027672, MeSH D009386, MONDO:0015356.

Submission:

Ambry Genetics
Classification: Uncertain significance for Hereditary cancer-predisposing syndrome. Last evaluated: 2026-07-30. Review status: criteria provided, single submitter. Criteria: Ambry Variant Classification Scheme 2023. Collection method: clinical testing. Allele origin: germline.
Comment: The p.A406V variant (also known as c.1217C>T), located in coding exon 9 of the BRCA2 gene, results from a C to T substitution at nucleotide position 1217. The alanine at codon 406 is replaced by valine, an amino acid with similar properties. This amino acid position is poorly conserved in available vertebrate species. In addition, this alteration is predicted to be tolerated by in silico analysis. Based on the available evidence, the clinical significance of this variant remains unclear.